The following is an entry in ClinVar:

NM_001042492.3(NF1):c.6687dup (p.Thr2230fs)

Gene: NF1 (neurofibromin 1; plus strand). Cytogenetic location: 17q11.2.
Variant type: Duplication.
Coding change: c.6687dup on transcript NM_001042492.3 (MANE Select); coding-DNA position 6687, one base duplicated (G; older notation c.6687dupG).
Protein change: p.Thr2230fs; shifts the reading frame from threonine 2230.
Molecular consequence: frameshift variant.
Genome position (GRCh38, 1-based): chr17:31,337,863, G duplicated; the last of 2 consecutive G bases (chr17:31,337,862-31,337,863); duplicating either gives the same sequence. VCF-style (leftmost placement, unchanged base first): chr17-31337861-T-TG. GRCh37 (hg19) VCF-style: chr17-29664879-T-TG.
Other names: c.6624dup, p.Thr2209fs (NM_000267.4); c.6624dupG (NM_000267.3); short protein forms T2209fs, T2230fs.
Identifiers: ClinVar variation 5025637 (VCV005025637.1).

ClinVar aggregate classification (germline): Pathogenic (1 of 4 stars; one submission).

Conditions:
Cardiovascular phenotype. Identifiers: MedGen CN230736.
Hereditary cancer-predisposing syndrome. Also called: Neoplastic Syndromes, Hereditary; Tumor predisposition; Hereditary neoplastic syndrome; Hereditary Cancer Syndrome. Identifiers: Orphanet 140162, MedGen C0027672, MeSH D009386, MONDO:0015356.

Submission:

Ambry Genetics
Classification: Pathogenic for Cardiovascular phenotype; Hereditary cancer-predisposing syndrome. Last evaluated: 2026-09-01. Review status: criteria provided, single submitter. Criteria: Ambry Variant Classification Scheme 2023. Collection method: clinical testing. Allele origin: germline.
Comment: The c.6624dupG variant, located in coding exon 43 of the NF1 gene, results from a duplication of G at nucleotide position 6624, causing a translational frameshift with a predicted alternate stop codon (p.T2209Dfs*12). This variant is considered to be rare based on population cohorts in the Genome Aggregation Database (gnomAD). This alteration is expected to result in loss of function by premature protein truncation or nonsense-mediated mRNA decay. As such, this alteration is interpreted as a disease-causing mutation.